The following is an entry in ClinVar:

ClinVar aggregate classification (germline): Uncertain significance (1 of 4 stars; one submission).

Conditions:
Familial adenomatous polyposis 1 (FAP1). Also called: FAMILIAL ADENOMATOUS POLYPOSIS 1, ATTENUATED; POLYPOSIS, ADENOMATOUS INTESTINAL. Identifiers: MedGen C2713442, MONDO:0021056, OMIM 175100. Disease mechanism: loss of function.

Submission:

Labcorp Genetics (formerly Invitae), Labcorp
Classification: Uncertain significance for Familial adenomatous polyposis 1. Last evaluated: 2022-11-19. Review status: criteria provided, single submitter. Criteria: Invitae Variant Classification Sherloc (09022015). Collection method: clinical testing. Allele origin: germline.
Comment: In summary, the available evidence is currently insufficient to determine the role of this variant in disease. Therefore, it has been classified as a Variant of Uncertain Significance. Advanced modeling of protein sequence and biophysical properties (such as structural, functional, and spatial information, amino acid conservation, physicochemical variation, residue mobility, and thermodynamic stability) performed at Invitae indicates that this missense variant is not expected to disrupt APC protein function. This variant has not been reported in the literature in individuals affected with APC-related conditions. This variant is not present in population databases (gnomAD no frequency). This sequence change replaces arginine, which is basic and polar, with serine, which is neutral and polar, at codon 2470 of the APC protein (p.Arg2470Ser).

NM_000038.6(APC):c.7410A>T (p.Arg2470Ser)

Gene: APC (APC regulator of Wnt signaling pathway; plus strand). Cytogenetic location: 5q22.2.
Variant type: single nucleotide variant.
Coding change: c.7410A>T on transcript NM_000038.6 (MANE Select); coding-DNA position 7410, A replaced by T.
Protein change: p.Arg2470Ser; replaces arginine 2470 with serine.
Molecular consequence: missense variant. On other transcripts: non-coding transcript variant (2).
Genome position (GRCh38, 1-based): chr5:112,843,004, A>T. VCF-style: chr5-112843004-A-T. GRCh37 (hg19) VCF-style: chr5-112178701-A-T.
Other names: c.7410A>T, p.Arg2470Ser (NM_001127510.3, NM_001354895.2, NM_001407450.1); c.7356A>T, p.Arg2452Ser (NM_001127511.3); c.7464A>T, p.Arg2488Ser (NM_001354896.2, NM_001407447.1, NM_001407448.1 and 1 more transcripts); c.7440A>T, p.Arg2480Ser (NM_001354897.2); c.7335A>T, p.Arg2445Ser (NM_001354898.2); c.7326A>T, p.Arg2442Ser (NM_001354899.2); c.7287A>T, p.Arg2429Ser (NM_001354900.2); c.7233A>T, p.Arg2411Ser (NM_001354901.2, NM_001407453.1); and 11 more; short protein forms R2411S, R2442S, R2310S, R2341S, R2344S, R2369S, R2379S, R2429S.
Identifiers: ClinVar variation 2815299 (VCV002815299.3), dbSNP rs2533791192, ClinGen allele CA16037461.
Genomic context (GRCh38, chr5:112,843,004, plus strand): 5'-AACCTTAAGAAGAAAATTGGAGGAATCTGCTTCATTTGAATCTCTTTCTCCATCATCTAG[A>T]CCAGCTTCTCCCACTAGGTCCCAGGCACAAACTCCAGTTTTAAGTCCTTCCCTTCCTGAT-3'
Protein context (NP_000029.2, residues 2460-2480): ASFESLSPSS[Arg2470Ser]PASPTRSQAQ